The following is an entry in ClinVar:

ClinVar aggregate classification (germline): Likely benign (0 of 4 stars; one submission).

Conditions:
KCNJ12-related disorder. Also called: KCNJ12-related condition.

Allele frequency attached by ClinVar (database versions not stated): ExAC 0.00005.

Submission:

PreventionGenetics, part of Exact Sciences
Classification: Likely benign for KCNJ12-related condition. Last evaluated: 2020-03-23. Review status: no assertion criteria provided. Collection method: clinical testing. Allele origin: germline.
Comment: This variant is classified as likely benign based on ACMG/AMP sequence variant interpretation guidelines (Richards et al. 2015 PMID: 25741868, with internal and published modifications).

NM_021012.5(KCNJ12):c.561C>A (p.Pro187=)

Gene: KCNJ12 (potassium inwardly rectifying channel subfamily J member 12; plus strand). Cytogenetic location: 17p11.2.
Variant type: single nucleotide variant.
Coding change: c.561C>A on transcript NM_021012.5 (MANE Select); coding-DNA position 561, C replaced by A.
Protein change: p.Pro187=; no amino-acid change (proline 187 retained).
Molecular consequence: synonymous variant.
Genome position (GRCh38, 1-based): chr17:21,415,903, C>A. VCF-style: chr17-21415903-C-A. GRCh37 (hg19) VCF-style: chr17-21319215-C-A.
Identifiers: ClinVar variation 3046305 (VCV003046305.2), dbSNP rs782018206, ClinGen allele CA8451172.
Genomic context (GRCh38, chr17:21,415,903, plus strand): 5'-CGTGGGCTGCATCATCGACTCCTTCATGATTGGTGCCATCATGGCCAAGATGGCAAGGCC[C>A]AAGAAGCGGGCACAGACGCTGCTGTTCAGCCACAACGCCGTGGTGGCCCTGCGTGACGGC-3'
Protein context (NP_066292.2, residues 177-197): IGAIMAKMAR[Pro187=]KKRAQTLLFS